The following is an entry in ClinVar:

NM_001205254.2(OCLN):c.803GAA[1] (p.Arg269del)

Gene: OCLN (occludin; plus strand). Cytogenetic location: 5q13.2.
Variant type: Microsatellite.
Coding change: c.803GAA[1] on transcript NM_001205254.2 (MANE Select); one copy of the 3-base unit GAA starting at c.803; the reference has two copies in a row; one copy, 3 bases deleted.
Protein change: p.Arg269del; deletes arginine 269.
Molecular consequence: inframe deletion. On other transcripts: inframe indel (1), intron variant (1).
Genome position (GRCh38, 1-based): chr5:69,514,024-69,514,026, GAA deleted; deleting any 3 consecutive bases within chr5:69,514,021-69,514,026 gives the same sequence; the position shown is the placement nearest the transcript's 3' end. VCF-style (leftmost placement, unchanged base first): chr5-69514020-CGAA-C. GRCh37 (hg19) VCF-style: chr5-68809847-CGAA-C.
Other names: c.50_52GAA[1], p.Arg18del (NM_001205255.2); c.803GAA[1], p.Arg269del (NM_002538.4); c.729+4205_729+4207del (NM_001410743.1); short protein forms R18del, R269del.
Identifiers: ClinVar variation 2319168 (VCV002319168.2), dbSNP rs1014475193, ClinGen allele CA120712941.

ClinVar aggregate classification (germline): Uncertain significance (1 of 4 stars; one submission).

Conditions:
Inborn genetic diseases. Identifiers: MedGen C0950123, MeSH D030342.

Submission:

Ambry Genetics
Classification: Uncertain significance for Inborn genetic diseases. Last evaluated: 2022-02-10. Review status: criteria provided, single submitter. Criteria: Ambry Variant Classification Scheme 2023. Collection method: clinical testing. Allele origin: germline.
Comment: The c.806_808delGAA (p.R269del) alteration is located in exon 4 (coding exon 3) of the OCLN gene. This alteration consists of an in-frame deletion of 3 nucleotides between nucleotide positions c.806 and c.808, resulting in the deletion of 1 residue. Based on insufficient or conflicting evidence, the clinical significance of this alteration remains unclear.